The following is an entry in ClinVar:

ClinVar aggregate classification (germline): Uncertain significance (1 of 4 stars; one submission).

gnomAD v4.1: 1 of 1,613,454 alleles (0.000062%); highest among the groups gnomAD compares: South Asian, 0.0011%; no homozygotes.

Submission:

Labcorp Genetics (formerly Invitae), Labcorp
Classification: Uncertain significance. Last evaluated: 2025-03-09. Review status: criteria provided, single submitter. Criteria: Invitae Variant Classification Sherloc (09022015). Collection method: clinical testing. Allele origin: germline.
Comment: This sequence change falls in intron 16 of the LZTR1 gene. It does not directly change the encoded amino acid sequence of the LZTR1 protein. This variant is not present in population databases (gnomAD no frequency). This variant has not been reported in the literature in individuals affected with LZTR1-related conditions. Algorithms developed to predict the effect of sequence changes on RNA splicing suggest that this variant may create or strengthen a splice site. In summary, the available evidence is currently insufficient to determine the role of this variant in disease. Therefore, it has been classified as a Variant of Uncertain Significance.

NM_006767.4(LZTR1):c.1943-6C>T

Gene: LZTR1 (leucine zipper like post translational regulator 1; plus strand). Cytogenetic location: 22q11.21.
Variant type: single nucleotide variant.
Coding change: c.1943-6C>T on transcript NM_006767.4 (MANE Select); 6 bases into the intron before coding-DNA position 1943, C replaced by T.
Molecular consequence: intron variant.
Genome position (GRCh38, 1-based): chr22:20,995,740, C>T. VCF-style: chr22-20995740-C-T. GRCh37 (hg19) VCF-style: chr22-21350029-C-T.
Identifiers: ClinVar variation 4748590 (VCV004748590.1).